The following is an entry in ClinVar:

ClinVar aggregate classification (germline): Uncertain significance (1 of 4 stars; one submission).

gnomAD v4.1: 3 of 1,614,048 alleles (0.00019%); highest among the groups gnomAD compares: Middle Eastern, 0.016%; no homozygotes.

Submission:

Labcorp Genetics (formerly Invitae), Labcorp
Classification: Uncertain significance. Last evaluated: 2025-07-30. Review status: criteria provided, single submitter. Criteria: Invitae Variant Classification Sherloc (09022015). Collection method: clinical testing. Allele origin: germline.
Comment: This sequence change replaces arginine, which is basic and polar, with glutamine, which is neutral and polar, at codon 1351 of the ATR protein (p.Arg1351Gln). This variant is not present in population databases (gnomAD no frequency). This variant has not been reported in the literature in individuals affected with ATR-related conditions. An algorithm developed to predict the effect of missense changes on protein structure and function (PolyPhen-2) suggests that this variant is likely to be disruptive. In summary, the available evidence is currently insufficient to determine the role of this variant in disease. Therefore, it has been classified as a Variant of Uncertain Significance.

NM_001184.4(ATR):c.4052G>A (p.Arg1351Gln)

Gene: ATR (ATR checkpoint kinase; minus strand). Cytogenetic location: 3q23.
Variant type: single nucleotide variant.
Coding change: c.4052G>A on transcript NM_001184.4 (MANE Select); coding-DNA position 4052, G replaced by A.
Protein change: p.Arg1351Gln; replaces arginine 1351 with glutamine.
Molecular consequence: missense variant.
Genome position (GRCh38, 1-based): chr3:142,524,093, C>T on the plus strand (G>A on the coding strand, the complement: ATR is on the minus strand). VCF-style: chr3-142524093-C-T. GRCh37 (hg19) VCF-style: chr3-142242935-C-T.
Other names: c.3860G>A, p.Arg1287Gln (NM_001354579.2); short protein forms R1287Q, R1351Q.
Identifiers: ClinVar variation 4707025 (VCV004707025.1).